The following is an entry in ClinVar:

ClinVar aggregate classification (germline): Likely pathogenic (1 of 4 stars; one submission).

Conditions:
Familial cystic renal disease. Identifiers: Orphanet 93587, MedGen C5680285, MONDO:0019741.

Submission:

Mayo Translational Polycystic Kidney Disease Center, Mayo Clinic
Classification: Likely pathogenic for Familial cystic renal disease. Last evaluated: 2025-06-01. Review status: criteria provided, single submitter. Criteria: ACMG Guidelines, 2015. Collection method: research. Allele origin: germline. Inheritance: Autosomal dominant inheritance. Affected: yes.
Comment: The c.964C>T variant in the ALG8 gene results in a premature stop codon at position 322 (p.Arg322Ter), predicted to produce a truncated protein lacking essential functional domains. This type of nonsense mutation is expected to lead to loss of function via production of a non-functional protein, meeting the PVS1 criterion. The variant is absent in gnomAD v4.1.0, fulfilling PM2. Loss-of-function mutations in ALG8 are a known mechanism of disease, particularly associated with polycystic liver and kidney disease. Clinical reports have documented this variant in individuals with liver and/or kidney cysts (Jawaid, 2025), supporting PP4. Based on the nature of the mutation, its rarity, and the supporting clinical evidence, this variant is best classified as likely pathogenic.

Literature cited by the submitters: PubMed 39899384.

NM_024079.5(ALG8):c.964C>T (p.Gln322Ter)

Gene: ALG8 (ALG8 alpha-1,3-glucosyltransferase; minus strand). Cytogenetic location: 11q14.1.
Variant type: single nucleotide variant.
Coding change: c.964C>T on transcript NM_024079.5 (MANE Select); coding-DNA position 964, C replaced by T.
Protein change: p.Gln322Ter; replaces glutamine 322 with a stop codon.
Molecular consequence: nonsense. On other transcripts: missense variant (1), non-coding transcript variant (2), intron variant (7).
Genome position (GRCh38, 1-based): chr11:78,109,516, G>A on the plus strand (C>T on the coding strand, the complement: ALG8 is on the minus strand). VCF-style: chr11-78109516-G-A. GRCh37 (hg19) VCF-style: chr11-77820562-G-A.
Other names: c.964C>T, p.Gln322Ter (NM_001007027.3, NM_001425222.1, NM_001425225.1 and 4 more transcripts); c.967C>T, p.Gln323Ter (NM_001425219.1); c.949C>T, p.Gln317Ter (NM_001425220.1); c.923C>T, p.Ser308Leu (NM_001425221.1); c.958C>T, p.Gln320Ter (NM_001425223.1); c.1057C>T, p.Gln353Ter (NM_001425224.1); c.811C>T, p.Gln271Ter (NM_001425226.1, NM_001425236.1); c.763C>T, p.Gln255Ter (NM_001425231.1); and 9 more; short protein forms Q137*, Q150*, Q234*, Q255*, Q271*, Q317*, Q320*, Q322*.
Identifiers: ClinVar variation 3906842 (VCV003906842.1).
Genomic context (GRCh38, chr11:78,109,516, plus strand): 5'-GTGTGCAGATGAGGGTTGCCAAGGGAGTCACTGAGGGAAGGACTGTGTGTTGGAACTGCT[G>A]AACCAAACCACTTGTCATTGAGGCCTTGGGAATATTGTTGGGATCAAGAAATTTCAATTT-3'